The following is an entry in ClinVar:

ClinVar aggregate classification (germline): Pathogenic (1 of 4 stars; one submission).

Conditions:
Osteogenesis imperfecta type I (OI1). Also called: OI, TYPE I; OSTEOGENESIS IMPERFECTA TARDA; OSTEOGENESIS IMPERFECTA WITH BLUE SCLERAE; Osteogenesis imperfecta type 1; Lobstein disease; Lobstein's Disease. Identifiers: Orphanet 216796, Orphanet 666, MedGen C0023931, MONDO:0008146, OMIM 166200. Disease mechanism: loss of function.

Submission:

Labcorp Genetics (formerly Invitae), Labcorp
Classification: Pathogenic for Osteogenesis imperfecta type I. Last evaluated: 2025-01-23. Review status: criteria provided, single submitter. Criteria: Invitae Variant Classification Sherloc (09022015). Collection method: clinical testing. Allele origin: germline.
Comment: This sequence change replaces glycine, which is neutral and non-polar, with arginine, which is basic and polar, at codon 212 of the COL1A1 protein (p.Gly212Arg). This variant is not present in population databases (gnomAD no frequency). This missense change has been observed in individual(s) with osteogenesis imperfecta (PMID: 15728585, 27509835). This variant is also known as Gly34Arg. ClinVar contains an entry for this variant (Variation ID: 2138082). Invitae Evidence Modeling of protein sequence and biophysical properties (such as structural, functional, and spatial information, amino acid conservation, physicochemical variation, residue mobility, and thermodynamic stability) indicates that this missense variant is expected to disrupt COL1A1 protein function with a positive predictive value of 95%. This variant disrupts the triple helix domain of COL1A1. Glycine residues within the Gly-Xaa-Yaa repeats of the triple helix domain are required for the structure and stability of fibrillar collagens (PMID: 7695699, 8218237, 19344236). In COL1A1, variants affecting these glycine residues are significantly enriched in individuals with disease (PMID: 9016532, 17078022) compared to the general population (ExAC). This variant disrupts the p.Gly212 amino acid residue in COL1A1. Other variant(s) that disrupt this residue have been observed in individuals with COL1A1-related conditions (PMID: 21667357, 31414283), which suggests that this may be a clinically significant amino acid residue. For these reasons, this variant has been classified as Pathogenic.

Literature cited by the submitters: PubMed 15728585; PubMed 27509835; PubMed 7695699; PubMed 8218237; PubMed 19344236; PubMed 9016532; PubMed 17078022; PubMed 21667357; PubMed 31414283.

NM_000088.4(COL1A1):c.634G>A (p.Gly212Arg)

Gene: COL1A1 (collagen type I alpha 1 chain; minus strand). Cytogenetic location: 17q21.33.
Variant type: single nucleotide variant.
Coding change: c.634G>A on transcript NM_000088.4 (MANE Select); coding-DNA position 634, G replaced by A.
Protein change: p.Gly212Arg; replaces glycine 212 with arginine.
Molecular consequence: missense variant.
Genome position (GRCh38, 1-based): chr17:50,197,957, C>T on the plus strand (G>A on the coding strand, the complement: COL1A1 is on the minus strand). VCF-style: chr17-50197957-C-T. GRCh37 (hg19) VCF-style: chr17-48275318-C-T.
Other names: short protein forms G212R.
Identifiers: ClinVar variation 2138082 (VCV002138082.4), dbSNP rs72667034, ClinGen allele CA291548077.
Genomic context (GRCh38, chr17:50,197,957, plus strand): 5'-GAGAGTCTGTGTGTTTGTAGAAGGAGTATGAATCTGTATAGAGAGTGCTTACTGAAGCTC[C>T]AGGCTCGCCAGGCTCACCAGGGGGACCTTGGAAGCCTTGGGGACCCTTGAGAAGAAGGAA-3'
Protein context (NP_000079.2, residues 202-222): QGPPGEPGEP[Gly212Arg]ASGPMGPRGP